The following is an entry in ClinVar:

NM_007294.4(BRCA1):c.212+6T>C

Gene: BRCA1 (BRCA1 DNA repair associated; minus strand). Cytogenetic location: 17q21.31.
Variant type: single nucleotide variant.
Coding change: c.212+6T>C on transcript NM_007294.4 (MANE Select); 6 bases into the intron after coding-DNA position 212, T replaced by C.
Molecular consequence: intron variant.
Genome position (GRCh38, 1-based): chr17:43,106,450, A>G on the plus strand (T>C on the coding strand, the complement: BRCA1 is on the minus strand). VCF-style: chr17-43106450-A-G. GRCh37 (hg19) VCF-style: chr17-41258467-A-G.
Other names: c.212+6T>C (NM_001407860.1, NM_001407611.1, NM_001407590.1 and 167 more transcripts); c.-169-1494T>C (NM_001407965.1, NM_001407959.1, NM_001407962.1 and 4 more transcripts); c.71+6T>C (NM_001407930.1, NM_001407843.1, NM_001408456.1 and 99 more transcripts); c.2+28T>C (NM_001408482.1, NM_001407954.1, NM_001407896.1 and 58 more transcripts); c.135-1494T>C (NM_001407874.1, NM_001408416.1, NM_001408414.1 and 21 more transcripts); c.-218-11590T>C (NM_001407967.1, NM_001407966.1); c.81-1494T>C (NM_001408451.1).
Identifiers: ClinVar variation 868792 (VCV000868792.5), dbSNP rs2054767256, ClinGen allele CA916080875.

ClinVar aggregate classification (germline): Likely benign (1 of 4 stars; one submission).

Conditions:
Hereditary cancer-predisposing syndrome. Also called: Neoplastic Syndromes, Hereditary; Tumor predisposition; Hereditary Cancer Syndrome; Hereditary neoplastic syndrome. Identifiers: Orphanet 140162, MedGen C0027672, MeSH D009386, MONDO:0015356.

Allele frequency attached by ClinVar (database versions not stated): gnomAD exomes below 0.00001.
gnomAD v4.1: 2 of 1,566,272 alleles (0.00013%); highest among the groups gnomAD compares: Non-Finnish European, 0.00018%; no homozygotes.

Submissions (2):

Color Diagnostics, LLC DBA Color Health
Classification: Likely benign for Hereditary cancer-predisposing syndrome. Last evaluated: 2020-08-19. Review status: criteria provided, single submitter. Criteria: ACMG Guidelines, 2015. Collection method: clinical testing. Allele origin: germline.

Brotman Baty Institute, University of Washington
No classification provided (evidence only). Condition: Breast-ovarian cancer, familial 1. Review status: no classification provided. Collection method: in vitro. Allele origin: not applicable. Functional consequence: functionally_normal. Not counted in ClinVar's aggregate classification.
ClinVar note: "not provided" was previously submitted as the classification for the variant. However, the classification appeared to be based only on an observation of functional data so it was converted to no classification on 2025-07-30.